The following is an entry in ClinVar:

NM_177438.3(DICER1):c.4206+5_4206+6insA

Gene: DICER1 (dicer 1, ribonuclease III; minus strand). Cytogenetic location: 14q32.13.
Variant type: Insertion.
Coding change: c.4206+5_4206+6insA on transcript NM_177438.3 (MANE Select); bases 5 to 6 of the intron after coding-DNA position 4206, A inserted.
Molecular consequence: intron variant.
Genome position: GRCh38 VCF-style: chr14-95099774-A-AT. GRCh37 (hg19) VCF-style: chr14-95566111-A-AT.
Other names: c.4206+5_4206+6insA (NM_001291628.2, NM_030621.4, NM_001395677.1 and 12 more transcripts); c.3801+5_3801+6insA (NM_001395690.1, NM_001395687.1, NM_001395689.1 and 2 more transcripts); c.3924+5_3924+6insA (NM_001395686.1); c.3639+5_3639+6insA (NM_001395691.1); c.2523+5_2523+6insA (NM_001395697.1).
Identifiers: ClinVar variation 1738686 (VCV001738686.6), dbSNP rs2542597006, ClinGen allele CA2580089214.

ClinVar aggregate classification (germline): Uncertain significance. Review status: criteria provided, multiple submitters, no conflicts (2 of 4 stars). 2 submissions from 2 submitters: Uncertain significance (2). Last evaluated 2024-05-08.

Conditions:
Hereditary cancer-predisposing syndrome. Also called: Neoplastic Syndromes, Hereditary; Tumor predisposition; Hereditary Cancer Syndrome; Hereditary neoplastic syndrome. Identifiers: Orphanet 140162, MedGen C0027672, MeSH D009386, MONDO:0015356.
DICER1-related tumor predisposition. Also called: DICER1 syndrome; DICER1-related pleuropulmonary blastoma cancer predisposition syndrome. Identifiers: Orphanet 284343, MedGen C3839822, MONDO:0100216.

Submissions (2):

Ambry Genetics
Classification: Uncertain significance for Hereditary cancer-predisposing syndrome. Last evaluated: 2024-05-08. Review status: criteria provided, single submitter. Criteria: Ambry Variant Classification Scheme 2023. Collection method: clinical testing. Allele origin: germline.
Comment: The c.4206+5_4206+6insA intronic variant, results from an insertion of one nucleotide at nucleotide position 4206 after intron 21 of the DICER1 gene. This nucleotide position is well conserved in available vertebrate species. In silico splice site analysis predicts that this alteration will not have any significant effect on splicing. Based on the available evidence, the clinical significance of this variant remains unclear.

Labcorp Genetics (formerly Invitae), Labcorp
Classification: Uncertain significance for DICER1-related tumor predisposition. Last evaluated: 2023-06-08. Review status: criteria provided, single submitter. Criteria: Invitae Variant Classification Sherloc (09022015). Collection method: clinical testing. Allele origin: germline.
Comment: This sequence change falls in intron 22 of the DICER1 gene. It does not directly change the encoded amino acid sequence of the DICER1 protein. It affects a nucleotide within the consensus splice site. This variant is not present in population databases (gnomAD no frequency). This variant has not been reported in the literature in individuals affected with DICER1-related conditions. ClinVar contains an entry for this variant (Variation ID: 1738686). Variants that disrupt the consensus splice site are a relatively common cause of aberrant splicing (PMID: 17576681, 9536098). Algorithms developed to predict the effect of sequence changes on RNA splicing suggest that this variant is not likely to affect RNA splicing. In summary, the available evidence is currently insufficient to determine the role of this variant in disease. Therefore, it has been classified as a Variant of Uncertain Significance.

Literature cited by the submitters: PubMed 17576681 (cited by Labcorp Genetics (formerly Invitae), Labcorp); PubMed 9536098 (cited by Labcorp Genetics (formerly Invitae), Labcorp).